The following is an entry in ClinVar:

ClinVar aggregate classification (germline): Uncertain significance (1 of 4 stars; one submission).

Conditions:
POLD1-related polyposis and colorectal cancer syndrome (CRCS10). Also called: Colorectal cancer 10; COLORECTAL CANCER, SUSCEPTIBILITY TO, ON CHROMOSOME 19q; Colorectal cancer, susceptibility to, 10. Identifiers: Orphanet 220460, MedGen C2675481, MONDO:0012953, OMIM 612591.

Submission:

Labcorp Genetics (formerly Invitae), Labcorp
Classification: Uncertain significance for POLD1-related polyposis and colorectal cancer syndrome. Last evaluated: 2026-01-14. Review status: criteria provided, single submitter. Criteria: Invitae Variant Classification Sherloc (09022015). Collection method: clinical testing. Allele origin: germline.
Comment: This sequence change replaces aspartic acid, which is acidic and polar, with glutamic acid, which is acidic and polar, at codon 819 of the POLD1 protein (p.Asp819Glu). This variant is not present in population databases (gnomAD no frequency). This variant has not been reported in the literature in individuals affected with POLD1-related conditions. ClinVar contains an entry for this variant (Variation ID: 2867286). Invitae Evidence Modeling of protein sequence and biophysical properties (such as structural, functional, and spatial information, amino acid conservation, physicochemical variation, residue mobility, and thermodynamic stability) indicates that this missense variant is not expected to disrupt POLD1 protein function with a negative predictive value of 80%. In summary, the available evidence is currently insufficient to determine the role of this variant in disease. Therefore, it has been classified as a Variant of Uncertain Significance.

NM_002691.4(POLD1):c.2457C>G (p.Asp819Glu)

Gene: POLD1 (DNA polymerase delta 1, catalytic subunit; plus strand). Cytogenetic location: 19q13.33.
Variant type: single nucleotide variant.
Coding change: c.2457C>G on transcript NM_002691.4 (MANE Select); coding-DNA position 2457, C replaced by G.
Protein change: p.Asp819Glu; replaces aspartic acid 819 with glutamic acid.
Molecular consequence: missense variant. On other transcripts: non-coding transcript variant (1).
Genome position (GRCh38, 1-based): chr19:50,414,883, C>G. VCF-style: chr19-50414883-C-G. GRCh37 (hg19) VCF-style: chr19-50918140-C-G.
Other names: c.2457C>G, p.Asp819Glu (NM_001256849.1); c.2535C>G, p.Asp845Glu (NM_001308632.1); short protein forms D845E, D819E.
Identifiers: ClinVar variation 2867286 (VCV002867286.3), dbSNP rs777433056, ClinGen allele CA406984792.
Genomic context (GRCh38, chr19:50,414,883, plus strand): 5'-CCCATACCTGCTTATCAGCAAGAAGCGCTACGCGGGCCTGCTCTTCTCCTCCCGGCCCGA[C>G]GCCCACGACCGCATGGACTGCAAGGGCCTGGAGGCCGTGCGCAGGGACAACTGCCCCCTC-3'
Protein context (NP_002682.2, residues 809-829): YAGLLFSSRP[Asp819Glu]AHDRMDCKGL